The following is an entry in ClinVar:

NM_016203.4(PRKAG2):c.629A>G (p.Gln210Arg)

Gene: PRKAG2 (protein kinase AMP-activated non-catalytic subunit gamma 2; minus strand). Cytogenetic location: 7q36.1.
Variant type: single nucleotide variant.
Coding change: c.629A>G on transcript NM_016203.4 (MANE Select); coding-DNA position 629, A replaced by G.
Protein change: p.Gln210Arg; replaces glutamine 210 with arginine.
Molecular consequence: missense variant.
Genome position (GRCh38, 1-based): chr7:151,675,475, T>C on the plus strand (A>G on the coding strand, the complement: PRKAG2 is on the minus strand). VCF-style: chr7-151675475-T-C. GRCh37 (hg19) VCF-style: chr7-151372561-T-C.
Other names: c.497A>G, p.Gln166Arg (NM_001040633.2); c.257A>G, p.Gln86Arg (NM_001304527.2, NM_001363698.2); short protein forms Q210R, Q166R, Q86R.
Identifiers: ClinVar variation 649514 (VCV000649514.5), dbSNP rs1585679990, ClinGen allele CA370187243.

ClinVar aggregate classification (germline): Uncertain significance (1 of 4 stars; one submission).

Conditions:
Lethal congenital glycogen storage disease of heart. Also called: PHOSPHORYLASE KINASE DEFICIENCY OF HEART; GLYCOGEN STORAGE DISEASE OF HEART. Identifiers: Orphanet 439854, MedGen C1849813, MONDO:0009867, OMIM 261740.

Allele frequency attached by ClinVar (database versions not stated): gnomAD exomes below 0.00001; TOPMed below 0.00001; gnomAD 0.00001.
gnomAD v4.1: 2 of 1,613,972 alleles (0.00012%); highest among the groups gnomAD compares: East Asian, 0.0022%; no homozygotes.

Submission:

Labcorp Genetics (formerly Invitae), Labcorp
Classification: Uncertain significance for Lethal congenital glycogen storage disease of heart. Last evaluated: 2022-11-01. Review status: criteria provided, single submitter. Criteria: Invitae Variant Classification Sherloc (09022015). Collection method: clinical testing. Allele origin: germline.
Comment: This variant has not been reported in the literature in individuals affected with PRKAG2-related conditions. This variant is not present in population databases (gnomAD no frequency). This sequence change replaces glutamine, which is neutral and polar, with arginine, which is basic and polar, at codon 210 of the PRKAG2 protein (p.Gln210Arg). ClinVar contains an entry for this variant (Variation ID: 649514). In summary, the available evidence is currently insufficient to determine the role of this variant in disease. Therefore, it has been classified as a Variant of Uncertain Significance. Advanced modeling of protein sequence and biophysical properties (such as structural, functional, and spatial information, amino acid conservation, physicochemical variation, residue mobility, and thermodynamic stability) performed at Invitae indicates that this missense variant is not expected to disrupt PRKAG2 protein function.